The following is an entry in ClinVar:

NM_001123385.2(BCOR):c.235C>T (p.Arg79Trp)

Gene: BCOR (BCL6 corepressor; minus strand). Cytogenetic location: Xp11.4.
Variant type: single nucleotide variant.
Coding change: c.235C>T on transcript NM_001123385.2 (MANE Select); coding-DNA position 235, C replaced by T.
Protein change: p.Arg79Trp; replaces arginine 79 with tryptophan.
Molecular consequence: missense variant.
Genome position (GRCh38, 1-based): chrX:40,075,111, G>A on the plus strand (C>T on the coding strand, the complement: BCOR is on the minus strand). VCF-style: chrX-40075111-G-A. GRCh37 (hg19) VCF-style: chrX-39934364-G-A.
Other names: c.235C>T, p.Arg79Trp (NM_001123383.2, NM_001123384.2, NM_017745.6); short protein forms R79W.
Identifiers: ClinVar variation 1434116 (VCV001434116.8), dbSNP rs1462787258, ClinGen allele CA412749163.

ClinVar aggregate classification (germline): Uncertain significance (1 of 4 stars; one submission).

Conditions:
Oculofaciocardiodental syndrome (MCOPS2). Identifiers: Orphanet 2712, MedGen C1846265, MONDO:0010261, OMIM 300166.

Allele frequency attached by ClinVar (database versions not stated): gnomAD 0.00001; gnomAD exomes 0.00002; TOPMed 0.00002.

Submission:

Labcorp Genetics (formerly Invitae), Labcorp
Classification: Uncertain significance for Oculofaciocardiodental syndrome. Last evaluated: 2021-06-05. Review status: criteria provided, single submitter. Criteria: Invitae Variant Classification Sherloc (09022015). Collection method: clinical testing. Allele origin: germline.
Comment: This sequence change replaces arginine with tryptophan at codon 79 of the BCOR protein (p.Arg79Trp). The arginine residue is moderately conserved and there is a moderate physicochemical difference between arginine and tryptophan. This variant is not present in population databases (ExAC no frequency). This variant has not been reported in the literature in individuals with BCOR-related conditions. Algorithms developed to predict the effect of missense changes on protein structure and function are either unavailable or do not agree on the potential impact of this missense change (SIFT: "Deleterious"; PolyPhen-2: "Probably Damaging"; Align-GVGD: "Class C0"). In summary, the available evidence is currently insufficient to determine the role of this variant in disease. Therefore, it has been classified as a Variant of Uncertain Significance.